The following is an entry in ClinVar:

ClinVar aggregate classification (germline): Uncertain significance (1 of 4 stars; one submission).

gnomAD v4.1: 1 of 1,585,952 alleles (0.000063%); highest among the groups gnomAD compares: East Asian, 0.0023%; no homozygotes.

Submission:

Women's Health and Genetics/Laboratory Corporation of America, LabCorp
Classification: Uncertain significance. Last evaluated: 2024-07-08. Review status: criteria provided, single submitter. Criteria: LabCorp Variant Classification Summary - May 2015. Collection method: clinical testing. Allele origin: germline.
Comment: Variant summary: PTS c.58T>C (p.Phe20Leu) results in a non-conservative amino acid change in the encoded protein sequence. Five of five in-silico tools predict a damaging effect of the variant on protein function. The variant was absent in 201782 control chromosomes. The available data on variant occurrences in the general population are insufficient to allow any conclusion about variant significance. c.58T>C has been reported in the literature in individuals suspected with 6-Pyruvoyl-Tetrahydropterin Synthase Deficiency without informative genotypes (example: Chiu_2012). These report(s) do not provide unequivocal conclusions about association of the variant with 6-Pyruvoyl-Tetrahydropterin Synthase Deficiency. To our knowledge, no experimental evidence demonstrating an impact on protein function has been reported. The following publication has been ascertained in the context of this evaluation (PMID: 22237589). No submitters have cited clinical-significance assessments for this variant to ClinVar. Based on the evidence outlined above, the variant was classified as uncertain significance.

Literature cited by the submitters: PubMed 22237589.

NM_000317.3(PTS):c.58T>C (p.Phe20Leu)

Genes: PTS (6-pyruvoyltetrahydropterin synthase; plus strand), LOC130006765 (ATAC-STARR-seq lymphoblastoid silent region 3906; plus strand). Cytogenetic location: 11q23.1.
Variant type: single nucleotide variant.
Coding change: c.58T>C on transcript NM_000317.3 (MANE Select); coding-DNA position 58, T replaced by C.
Protein change: p.Phe20Leu; replaces phenylalanine 20 with leucine.
Molecular consequence: missense variant.
Genome position (GRCh38, 1-based): chr11:112,226,501, T>C. VCF-style: chr11-112226501-T-C. GRCh37 (hg19) VCF-style: chr11-112097224-T-C.
Other names: short protein forms F20L.
Identifiers: ClinVar variation 3339051 (VCV003339051.1).
Genomic context (GRCh38, chr11:112,226,501, plus strand): 5'-AAGATGAGCACGGAAGGTGGTGGCCGTCGCTGCCAGGCACAAGTGTCCCGCCGCATCTCC[T>C]TCAGCGCGAGCCACCGATTGTACAGGTAGGGTGTGCACACAGGTACAGCGGCGGGCGGTG-3'
Protein context (NP_000308.1, residues 10-30): CQAQVSRRIS[Phe20Leu]SASHRLYSKF